The following is an entry in ClinVar:

ClinVar aggregate classification (germline): Likely pathogenic. Review status: criteria provided, multiple submitters, no conflicts (2 of 4 stars). 3 submissions from 3 submitters: Likely pathogenic (3). Last evaluated 2024-06-27.

Conditions:
Neurofibromatosis, type 1 (NF1). Also called: VON RECKLINGHAUSEN DISEASE; NEUROFIBROMATOSIS, TYPE I, SOMATIC; Peripheral type neurofibromatosis; Neurofibromatosis, type I. Identifiers: Orphanet 636, MedGen C0027831, MONDO:0018975, OMIM 162200. Disease mechanism: loss of function.
Hereditary cancer-predisposing syndrome. Also called: Tumor predisposition; Neoplastic Syndromes, Hereditary; Hereditary Cancer Syndrome; Hereditary neoplastic syndrome. Identifiers: Orphanet 140162, MedGen C0027672, MeSH D009386, MONDO:0015356.
Cardiovascular phenotype. Identifiers: MedGen CN230736.

Submissions (3):

GeneDx
Classification: Likely pathogenic. Last evaluated: 2024-06-27. Review status: criteria provided, single submitter. Criteria: GeneDx Variant Classification Process June 2021. Collection method: clinical testing. Allele origin: germline. Affected: yes.
Comment: Not observed at significant frequency in large population cohorts (gnomAD); In silico analysis supports that this missense variant has a deleterious effect on protein structure/function; Has not been previously published as pathogenic or benign to our knowledge; This variant is associated with the following publications: (PMID: 25486365)

Labcorp Genetics (formerly Invitae), Labcorp
Classification: Likely pathogenic for Neurofibromatosis, type 1. Last evaluated: 2023-07-31. Review status: criteria provided, single submitter. Criteria: Invitae Variant Classification Sherloc (09022015). Collection method: clinical testing. Allele origin: germline.
Comment: This sequence change replaces histidine, which is basic and polar, with aspartic acid, which is acidic and polar, at codon 553 of the NF1 protein (p.His553Asp). This variant is not present in population databases (gnomAD no frequency). Advanced modeling of protein sequence and biophysical properties (such as structural, functional, and spatial information, amino acid conservation, physicochemical variation, residue mobility, and thermodynamic stability) performed at Invitae indicates that this missense variant is expected to disrupt NF1 protein function. This variant disrupts the p.His533 amino acid residue in NF1. Other variant(s) that disrupt this residue have been determined to be pathogenic (PMID: 16944272, 27322474, 27838393). This suggests that this residue is clinically significant, and that variants that disrupt this residue are likely to be disease-causing. In summary, the currently available evidence indicates that the variant is pathogenic, but additional data are needed to prove that conclusively. Therefore, this variant has been classified as Likely Pathogenic. ClinVar contains an entry for this variant (Variation ID: 1777378). This variant has not been reported in the literature in individuals affected with NF1-related conditions.

Ambry Genetics
Classification: Likely pathogenic for Cardiovascular phenotype; Hereditary cancer-predisposing syndrome. Last evaluated: 2023-01-11. Review status: criteria provided, single submitter. Criteria: Ambry Variant Classification Scheme 2023. Collection method: clinical testing. Allele origin: germline.
Comment: The p.H553D variant (also known as c.1657C>G), located in coding exon 15 of the NF1 gene, results from a C to G substitution at nucleotide position 1657. The histidine at codon 553 is replaced by aspartic acid, an amino acid with similar properties. Another alteration at the same codon, p.H553R (c.1658A>G), has been detected in multiple individuals with a diagnosis or suspicion of NF1 (Griffiths S et al. Fam Cancer, 2007;6:21-34; Evans DG et al. EBioMedicine, 2016 May;7:212-20; Melloni G et al. Cancers (Basel), 2019 11;11; Demir G&uuml;ndoan B et al. Turk J Med Sci, 2021 Aug;:). c.1657C>G is considered to be rare based on population cohorts in the Genome Aggregation Database (gnomAD). This amino acid position is highly conserved in available vertebrate species. In addition, this alteration is predicted to be deleterious by in silico analysis. Based on the majority of available evidence to date, this variant is likely to be pathogenic.

Literature cited by the submitters: PubMed 16944272 (cited by Labcorp Genetics (formerly Invitae), Labcorp); PubMed 27322474 (cited by Labcorp Genetics (formerly Invitae), Labcorp); PubMed 27838393 (cited by Labcorp Genetics (formerly Invitae), Labcorp).

NM_001042492.3(NF1):c.1657C>G (p.His553Asp)

Gene: NF1 (neurofibromin 1; plus strand). Cytogenetic location: 17q11.2.
Variant type: single nucleotide variant.
Coding change: c.1657C>G on transcript NM_001042492.3 (MANE Select); coding-DNA position 1657, C replaced by G.
Protein change: p.His553Asp; replaces histidine 553 with aspartic acid.
Molecular consequence: missense variant.
Genome position (GRCh38, 1-based): chr17:31,221,865, C>G. VCF-style: chr17-31221865-C-G. GRCh37 (hg19) VCF-style: chr17-29548883-C-G.
Other names: c.1657C>G, p.His553Asp (NM_000267.4, NM_001128147.3); short protein forms H553D.
Identifiers: ClinVar variation 1777378 (VCV001777378.7), dbSNP rs2144003901, ClinGen allele CA399002236.